The following is an entry in ClinVar:

ClinVar aggregate classification (germline): Likely benign. Review status: criteria provided, multiple submitters, no conflicts (2 of 4 stars). 2 submissions from 2 submitters: Likely benign (2). Last evaluated 2018-01-12.

Conditions:
Congenital bile acid synthesis defect 2 (CBAS2). Also called: CHOLESTASIS WITH DELTA(4)-3-OXOSTEROID 5-BETA-REDUCTASE DEFICIENCY. Identifiers: Orphanet 79303, MedGen C1856127, MONDO:0009339, OMIM 235555.

Allele frequency attached by ClinVar (database versions not stated): TOPMed 0.01392; gnomAD 0.01470 and 0.01375; ESP Exome Variant Server 0.01818; 1000 Genomes Project 0.00459; 1000 Genomes Project 30x 0.00515.
gnomAD v4.1: 28,990 of 1,465,660 alleles (2%); highest among the groups gnomAD compares: Non-Finnish European, 2.4%; 349 homozygotes.

Submissions (2):

Illumina Laboratory Services, Illumina
Classification: Likely benign for Congenital bile acid synthesis defect 2. Last evaluated: 2018-01-12. Review status: criteria provided, single submitter. Criteria: ICSL Variant Classification Criteria 13 December 2019. Collection method: clinical testing. Allele origin: germline.
Comment: This variant was observed in the ICSL laboratory as part of a predisposition screen in an ostensibly healthy population. It had not been previously curated by ICSL or reported in the Human Gene Mutation Database (HGMD: prior to June 1st, 2018), and was therefore a candidate for classification through an automated scoring system. Utilizing variant allele frequency, disease prevalence and penetrance estimates, and inheritance mode, an automated score was calculated to assess if this variant is too frequent to cause the disease. Based on the score and internal cut-off values, a variant classified as likely benign is not then subjected to further curation. The score for this variant resulted in a classification of likely benign for this disease.

Breakthrough Genomics
Classification: Likely benign. Review status: criteria provided, single submitter. Criteria: ACMG Guidelines, 2015. Collection method: not provided. Allele origin: germline. Inheritance: Autosomal recessive inheritance. Affected: yes.

NM_005989.4(AKR1D1):c.*58G>C

Gene: AKR1D1 (aldo-keto reductase family 1 member D1; plus strand). Cytogenetic location: 7q33.
Variant type: single nucleotide variant.
Coding change: c.*58G>C on transcript NM_005989.4 (MANE Select); 58 bases downstream of the stop codon, G replaced by C.
Molecular consequence: 3 prime UTR variant.
Genome position (GRCh38, 1-based): chr7:138,116,720, G>C. VCF-style: chr7-138116720-G-C. GRCh37 (hg19) VCF-style: chr7-137801466-G-C.
Other names: c.*58G>C (NM_001190906.2); c.*83G>C (NM_001190907.2).
Identifiers: ClinVar variation 358958 (VCV000358958.6), dbSNP rs80147006, ClinGen allele CA10625293.
Genomic context (GRCh38, chr7:138,116,720, plus strand): 5'-TGACTGCAGGGAGTTCCTGAACAGATTTTTCACTCCCACGAGTGCCAAGACGGTGCAATG[G>C]GTAGTCCCCTAGATGTGAAAATGAAGAGAGAGGGTTTTACCATCCTGAGAAGAAATAATG-3'